The following is an entry in ClinVar:

NM_002691.4(POLD1):c.2135C>G (p.Pro712Arg)

Gene: POLD1 (DNA polymerase delta 1, catalytic subunit; plus strand). Cytogenetic location: 19q13.33.
Variant type: single nucleotide variant.
Coding change: c.2135C>G on transcript NM_002691.4 (MANE Select); coding-DNA position 2135, C replaced by G.
Protein change: p.Pro712Arg; replaces proline 712 with arginine.
Molecular consequence: missense variant. On other transcripts: non-coding transcript variant (1), intron variant (2).
Genome position (GRCh38, 1-based): chr19:50,409,647, C>G. VCF-style: chr19-50409647-C-G. GRCh37 (hg19) VCF-style: chr19-50912904-C-G.
Other names: c.2135C>G, p.Pro712Arg (NM_001256849.1, NM_001438212.1, NM_001438213.1); c.2213C>G, p.Pro738Arg (NM_001308632.1); c.2082+53C>G (NM_001438210.1, NM_001438211.1); c.2135C>G (NM_002691.2); short protein forms P712R, P738R.
Identifiers: ClinVar variation 4740500 (VCV004740500.2).

ClinVar aggregate classification (germline): Uncertain significance. Review status: criteria provided, multiple submitters, no conflicts (2 of 4 stars). 2 submissions from 2 submitters: Uncertain significance (2). Last evaluated 2025-12-17.

Conditions:
POLD1-related polyposis and colorectal cancer syndrome (CRCS10). Also called: COLORECTAL CANCER, SUSCEPTIBILITY TO, ON CHROMOSOME 19q; Colorectal cancer 10; Colorectal cancer, susceptibility to, 10. Identifiers: Orphanet 220460, MedGen C2675481, MONDO:0012953, OMIM 612591.
Hereditary cancer-predisposing syndrome. Also called: Neoplastic Syndromes, Hereditary; Tumor predisposition; Hereditary neoplastic syndrome; Hereditary Cancer Syndrome. Identifiers: Orphanet 140162, MedGen C0027672, MeSH D009386, MONDO:0015356.

Submissions (2):

Ambry Genetics
Classification: Uncertain significance for Hereditary cancer-predisposing syndrome. Last evaluated: 2025-12-17. Review status: criteria provided, single submitter. Criteria: Ambry Variant Classification Scheme 2023. Collection method: clinical testing. Allele origin: germline.
Comment: The p.P712R variant (also known as c.2135C>G), located in coding exon 16 of the POLD1 gene, results from a C to G substitution at nucleotide position 2135. The proline at codon 712 is replaced by arginine, an amino acid with dissimilar properties. This amino acid position is conserved. In addition, this alteration is predicted to be deleterious by in silico analysis. Based on the available evidence, the clinical significance of this variant remains unclear.

Labcorp Genetics (formerly Invitae), Labcorp
Classification: Uncertain significance for POLD1-related polyposis and colorectal cancer syndrome. Last evaluated: 2025-06-30. Review status: criteria provided, single submitter. Criteria: Invitae Variant Classification Sherloc (09022015). Collection method: clinical testing. Allele origin: germline.
Comment: This sequence change replaces proline, which is neutral and non-polar, with arginine, which is basic and polar, at codon 712 of the POLD1 protein (p.Pro712Arg). This variant is not present in population databases (gnomAD no frequency). This variant has not been reported in the literature in individuals affected with POLD1-related conditions. Invitae Evidence Modeling of protein sequence and biophysical properties (such as structural, functional, and spatial information, amino acid conservation, physicochemical variation, residue mobility, and thermodynamic stability) indicates that this missense variant is expected to disrupt POLD1 protein function with a positive predictive value of 80%. In summary, the available evidence is currently insufficient to determine the role of this variant in disease. Therefore, it has been classified as a Variant of Uncertain Significance.